The following is an entry in ClinVar:

NM_001365536.1(SCN9A):c.268G>C (p.Val90Leu)

Gene: SCN9A (sodium voltage-gated channel alpha subunit 9; minus strand). Cytogenetic location: 2q24.3.
Variant type: single nucleotide variant.
Coding change: c.268G>C on transcript NM_001365536.1 (MANE Select); coding-DNA position 268, G replaced by C.
Protein change: p.Val90Leu; replaces valine 90 with leucine.
Molecular consequence: missense variant.
Genome position (GRCh38, 1-based): chr2:166,307,065, C>G on the plus strand (G>C on the coding strand, the complement: SCN9A is on the minus strand). VCF-style: chr2-166307065-C-G. GRCh37 (hg19) VCF-style: chr2-167163575-C-G.
Other names: c.268G>C, p.Val90Leu (NM_002977.4); short protein forms V90L.
Identifiers: ClinVar variation 862688 (VCV000862688.10), dbSNP rs1210236497, ClinGen allele CA349095733.

ClinVar aggregate classification (germline): Uncertain significance (1 of 4 stars; one submission).

Conditions:
Neuropathy, hereditary sensory and autonomic, type 2A (HSAN2A). Also called: HSAN IIA; ACROOSTEOLYSIS, GIACCAI TYPE; ACROOSTEOLYSIS, NEUROGENIC; NEUROPATHY, HEREDITARY SENSORY, TYPE IIA; NEUROPATHY, PROGRESSIVE SENSORY, OF CHILDREN; WNK1-Related HSAN2 (HSAN2A). Identifiers: Orphanet 970, MedGen C2752089, MONDO:0024309, OMIM 201300.
Generalized epilepsy with febrile seizures plus, type 7 (GEFSP7). Also called: GEFS+, TYPE 7. Identifiers: Orphanet 36387, MedGen C2751778, MONDO:0013470, OMIM 613863.

Allele frequency attached by ClinVar (database versions not stated): gnomAD exomes below 0.00001; gnomAD 0.00001; TOPMed 0.00002.
gnomAD v4.1: 4 of 1,575,132 alleles (0.00025%); highest among the groups gnomAD compares: African/African-American, 0.0054%; no homozygotes.

Submission:

Labcorp Genetics (formerly Invitae), Labcorp
Classification: Uncertain significance for Neuropathy, hereditary sensory and autonomic, type 2A; Generalized epilepsy with febrile seizures plus, type 7. Last evaluated: 2024-08-06. Review status: criteria provided, single submitter. Criteria: Invitae Variant Classification Sherloc (09022015). Collection method: clinical testing. Allele origin: germline.
Comment: This sequence change replaces valine, which is neutral and non-polar, with leucine, which is neutral and non-polar, at codon 90 of the SCN9A protein (p.Val90Leu). This variant is not present in population databases (gnomAD no frequency). This variant has not been reported in the literature in individuals affected with SCN9A-related conditions. ClinVar contains an entry for this variant (Variation ID: 862688). Advanced modeling of protein sequence and biophysical properties (such as structural, functional, and spatial information, amino acid conservation, physicochemical variation, residue mobility, and thermodynamic stability) has been performed at Invitae for this missense variant, however the output from this modeling did not meet the statistical confidence thresholds required to predict the impact of this variant on SCN9A protein function. In summary, the available evidence is currently insufficient to determine the role of this variant in disease. Therefore, it has been classified as a Variant of Uncertain Significance.